The following is an entry in ClinVar:

ClinVar aggregate classification (germline): Likely pathogenic (0 of 4 stars; one submission).

Conditions:
SECISBP2-related disorder. Also called: SECISBP2-related condition.

Submission:

PreventionGenetics, part of Exact Sciences
Classification: Likely pathogenic for SECISBP2-related condition. Last evaluated: 2024-06-11. Review status: no assertion criteria provided. Collection method: clinical testing. Allele origin: germline.
Comment: The SECISBP2 c.333T>G variant is predicted to result in premature protein termination (p.Tyr111*). To our knowledge, this variant has not been reported in the literature or in gnomAD, indicating this variant is rare. Nonsense variants in SECISBP2 are expected to be pathogenic. This variant is interpreted as likely pathogenic.

NM_024077.5(SECISBP2):c.333T>G (p.Tyr111Ter)

Gene: SECISBP2 (SECIS binding protein 2; plus strand). Cytogenetic location: 9q22.2.
Variant type: single nucleotide variant.
Coding change: c.333T>G on transcript NM_024077.5 (MANE Select); coding-DNA position 333, T replaced by G.
Protein change: p.Tyr111Ter; replaces tyrosine 111 with a stop codon.
Molecular consequence: nonsense. On other transcripts: 5 prime UTR variant (1).
Genome position (GRCh38, 1-based): chr9:89,325,577, T>G. VCF-style: chr9-89325577-T-G. GRCh37 (hg19) VCF-style: chr9-91940492-T-G.
Other names: c.333T>G, p.Tyr111Ter (NM_001282688.2, NM_001354696.2, NM_001354697.2 and 1 more transcripts); c.114T>G, p.Tyr38Ter (NM_001282689.2); c.129T>G, p.Tyr43Ter (NM_001282690.1); c.-515T>G (NM_001354702.2); short protein forms Y111*, Y38*, Y43*.
Identifiers: ClinVar variation 3347907 (VCV003347907.1).